The following is an entry in ClinVar:

NM_001433705.1(NLRP5):c.3388G>A (p.Val1130Ile)

Gene: NLRP5 (NLR family pyrin domain containing 5; plus strand). Cytogenetic location: 19q13.43.
Variant type: single nucleotide variant.
Coding change: c.3388G>A on transcript NM_001433705.1 (MANE Select); coding-DNA position 3388, G replaced by A.
Protein change: p.Val1130Ile; replaces valine 1130 with isoleucine.
Molecular consequence: missense variant.
Genome position (GRCh38, 1-based): chr19:56,061,466, G>A. VCF-style: chr19-56061466-G-A. GRCh37 (hg19) VCF-style: chr19-56572832-G-A.
Other names: NM_153447.4:c.3541G>A; short protein forms V1130I.
Identifiers: ClinVar variation 3059322 (VCV003059322.2), dbSNP rs10409555, ClinGen allele CA9686333.

ClinVar aggregate classification (germline): Benign (0 of 4 stars; one submission).

Conditions:
NLRP5-related disorder. Also called: NLRP5-related condition.

Allele frequency attached by ClinVar (database versions not stated): ESP Exome Variant Server 0.31288; TOPMed 0.32858; 1000 Genomes Project 30x 0.35759; 1000 Genomes Project 0.35883; ExAC 0.30038; gnomAD 0.31980.
gnomAD v4.1: 453,128 of 1,613,440 alleles (28%); highest among the groups gnomAD compares: African/African-American, 45%; 65,971 homozygotes.

Submission:

PreventionGenetics, part of Exact Sciences
Classification: Benign for NLRP5-related condition. Last evaluated: 2019-10-21. Review status: no assertion criteria provided. Collection method: clinical testing. Allele origin: germline.
Comment: This variant is classified as benign based on ACMG/AMP sequence variant interpretation guidelines (Richards et al. 2015 PMID: 25741868, with internal and published modifications).